The following is an entry in ClinVar:

ClinVar aggregate classification (germline): Uncertain significance (1 of 4 stars; one submission).

Conditions:
Hereditary nonpolyposis colorectal neoplasms. Identifiers: MedGen C0009405, MeSH D003123.

Submission:

Labcorp Genetics (formerly Invitae), Labcorp
Classification: Uncertain significance for Hereditary nonpolyposis colorectal neoplasms. Last evaluated: 2024-07-08. Review status: criteria provided, single submitter. Criteria: Invitae Variant Classification Sherloc (09022015). Collection method: clinical testing. Allele origin: germline.
Comment: This sequence change replaces leucine, which is neutral and non-polar, with serine, which is neutral and polar, at codon 770 of the PMS2 protein (p.Leu770Ser). The frequency data for this variant in the population databases (gnomAD) is considered unreliable due to the presence of homologous sequence, such as pseudogenes or paralogs, in the genome. This variant has not been reported in the literature in individuals affected with PMS2-related conditions. Advanced modeling of protein sequence and biophysical properties (such as structural, functional, and spatial information, amino acid conservation, physicochemical variation, residue mobility, and thermodynamic stability) performed at Invitae indicates that this missense variant is expected to disrupt PMS2 protein function with a positive predictive value of 80%. In summary, the available evidence is currently insufficient to determine the role of this variant in disease. Therefore, it has been classified as a Variant of Uncertain Significance.

NM_000535.7(PMS2):c.2309T>C (p.Leu770Ser)

Gene: PMS2 (PMS1 homolog 2, mismatch repair system component; minus strand). Cytogenetic location: 7p22.1.
Variant type: single nucleotide variant.
Coding change: c.2309T>C on transcript NM_000535.7 (MANE Select); coding-DNA position 2309, T replaced by C.
Protein change: p.Leu770Ser; replaces leucine 770 with serine.
Molecular consequence: missense variant. On other transcripts: intron variant (2).
Genome position (GRCh38, 1-based): chr7:5,977,724, A>G on the plus strand (T>C on the coding strand, the complement: PMS2 is on the minus strand). VCF-style: chr7-5977724-A-G. GRCh37 (hg19) VCF-style: chr7-6017355-A-G.
Other names: c.1991T>C, p.Leu664Ser (NM_001322007.2, NM_001322008.2, NM_001406883.1); c.1937T>C, p.Leu646Ser (NM_001322009.2, NM_001406887.1, NM_001406888.1); c.1748T>C, p.Leu583Ser (NM_001322010.2, NM_001406906.1, NM_001406907.1); c.1376T>C, p.Leu459Ser (NM_001322011.2, NM_001322012.2); c.1736T>C, p.Leu579Ser (NM_001322013.2, NM_001406908.1, NM_001406909.1); c.2342T>C, p.Leu781Ser (NM_001322014.2); c.2000T>C, p.Leu667Ser (NM_001322015.2, NM_001406878.1, NM_001406879.1 and 4 more transcripts); c.1985T>C, p.Leu662Ser (NM_001406884.1); and 20 more; short protein forms L513S, L608S, L615S, L648S, L658S, L675S, L704S, L729S.
Identifiers: ClinVar variation 3669434 (VCV003669434.2).